The following is an entry in ClinVar:

NM_019032.6(ADAMTSL4):c.1844del (p.Val615fs)

Genes: ADAMTSL4 (ADAMTS like 4; plus strand), ADAMTSL4-AS2 (ADAMTSL4 antisense RNA 2; minus strand). Cytogenetic location: 1q21.2.
Variant type: Deletion.
Coding change: c.1844del on transcript NM_019032.6 (MANE Select); coding-DNA position 1844, one base deleted (T; older notation c.1844delT).
Protein change: p.Val615fs; shifts the reading frame from valine 615.
Molecular consequence: frameshift variant. On other transcripts: intron variant (1).
Genome position (GRCh38, 1-based): chr1:150,557,033, T deleted. VCF-style (leftmost placement, unchanged base first): chr1-150557032-GT-G. GRCh37 (hg19) VCF-style: chr1-150529508-GT-G.
Other names: c.1913del, p.Val638fs (NM_001288608.2); c.1844del, p.Val615fs (NM_001378596.1, NM_025008.5); c.1856+57del (NM_001288607.2); short protein forms V638fs, V615fs.
Identifiers: ClinVar variation 1958747 (VCV001958747.5), dbSNP rs2526720289, ClinGen allele CA2574053757.

ClinVar aggregate classification (germline): Pathogenic (1 of 4 stars; one submission).

Submission:

Labcorp Genetics (formerly Invitae), Labcorp
Classification: Pathogenic. Last evaluated: 2023-10-27. Review status: criteria provided, single submitter. Criteria: Invitae Variant Classification Sherloc (09022015). Collection method: clinical testing. Allele origin: germline.
Comment: This sequence change creates a premature translational stop signal (p.Val615Alafs*9) in the ADAMTSL4 gene. It is expected to result in an absent or disrupted protein product. Loss-of-function variants in ADAMTSL4 are known to be pathogenic (PMID: 20564469, 28642162). This variant is not present in population databases (gnomAD no frequency). This variant has not been reported in the literature in individuals affected with ADAMTSL4-related conditions. ClinVar contains an entry for this variant (Variation ID: 1958747). For these reasons, this variant has been classified as Pathogenic.

Literature cited by the submitters: PubMed 20564469; PubMed 28642162.